The following is an entry in ClinVar:

NM_016169.4(SUFU):c.233G>A (p.Gly78Glu)

Gene: SUFU (SUFU negative regulator of hedgehog signaling; plus strand). Cytogenetic location: 10q24.32.
Variant type: single nucleotide variant.
Coding change: c.233G>A on transcript NM_016169.4 (MANE Select); coding-DNA position 233, G replaced by A.
Protein change: p.Gly78Glu; replaces glycine 78 with glutamic acid.
Molecular consequence: missense variant.
Genome position (GRCh38, 1-based): chr10:102,509,219, G>A. VCF-style: chr10-102509219-G-A. GRCh37 (hg19) VCF-style: chr10-104268976-G-A.
Other names: c.233G>A, p.Gly78Glu (NM_001178133.2); short protein forms G78E.
Identifiers: ClinVar variation 861256 (VCV000861256.11), dbSNP rs2062368710, ClinGen allele CA377888573.

ClinVar aggregate classification (germline): Uncertain significance. Review status: criteria provided, multiple submitters, no conflicts (2 of 4 stars). 2 submissions from 2 submitters: Uncertain significance (2). Last evaluated 2026-01-13.

Conditions:
Gorlin syndrome. Also called: Nevoid Basal Cell Carcinoma Syndrome; Basal cell nevus syndrome. Identifiers: Orphanet 377, MedGen C0004779, MONDO:0007187.
Medulloblastoma (MDB). Also called: MEDULLOBLASTOMA PREDISPOSITION SYNDROME; Medulloblastoma, somatic. Identifiers: Orphanet 616, MedGen C0025149, MeSH D008527, MONDO:0007959, OMIM 155255, HP:0002885.
Hereditary cancer-predisposing syndrome. Also called: Hereditary neoplastic syndrome; Tumor predisposition; Neoplastic Syndromes, Hereditary; Hereditary Cancer Syndrome. Identifiers: Orphanet 140162, MedGen C0027672, MeSH D009386, MONDO:0015356.

Submissions (2):

Labcorp Genetics (formerly Invitae), Labcorp
Classification: Uncertain significance for Gorlin syndrome; Medulloblastoma. Last evaluated: 2026-01-13. Review status: criteria provided, single submitter. Criteria: Invitae Variant Classification Sherloc (09022015). Collection method: clinical testing. Allele origin: germline.
Comment: This sequence change replaces glycine, which is neutral and non-polar, with glutamic acid, which is acidic and polar, at codon 78 of the SUFU protein (p.Gly78Glu). This variant is not present in population databases (gnomAD no frequency). This variant has not been reported in the literature in individuals affected with SUFU-related conditions. ClinVar contains an entry for this variant (Variation ID: 861256). Invitae Evidence Modeling of protein sequence and biophysical properties (such as structural, functional, and spatial information, amino acid conservation, physicochemical variation, residue mobility, and thermodynamic stability) indicates that this missense variant is expected to disrupt SUFU protein function with a positive predictive value of 80%. In summary, the available evidence is currently insufficient to determine the role of this variant in disease. Therefore, it has been classified as a Variant of Uncertain Significance.

Ambry Genetics
Classification: Uncertain significance for Hereditary cancer-predisposing syndrome. Last evaluated: 2024-12-28. Review status: criteria provided, single submitter. Criteria: Ambry Variant Classification Scheme 2023. Collection method: clinical testing. Allele origin: germline.
Comment: The p.G78E variant (also known as c.233G>A), located in coding exon 2 of the SUFU gene, results from a G to A substitution at nucleotide position 233. The glycine at codon 78 is replaced by glutamic acid, an amino acid with similar properties. This amino acid position is conserved. In addition, this alteration is predicted to be deleterious by in silico analysis. Based on the available evidence, the clinical significance of this variant remains unclear.